The following is an entry in ClinVar:

NM_030632.3(ASXL3):c.1243G>T (p.Glu415Ter)

Gene: ASXL3 (ASXL transcriptional regulator 3; plus strand). Cytogenetic location: 18q12.1.
Variant type: single nucleotide variant.
Coding change: c.1243G>T on transcript NM_030632.3 (MANE Select); coding-DNA position 1243, G replaced by T.
Protein change: p.Glu415Ter; replaces glutamic acid 415 with a stop codon.
Molecular consequence: nonsense.
Genome position (GRCh38, 1-based): chr18:33,738,647, G>T. VCF-style: chr18-33738647-G-T. GRCh37 (hg19) VCF-style: chr18-31318611-G-T.
Other names: short protein forms E415*.
Identifiers: ClinVar variation 1705471 (VCV001705471.1), dbSNP rs542209922, ClinGen allele CA297786531.
Genomic context (GRCh38, chr18:33,738,647, plus strand): 5'-TCTGCACAGACAGCCTTGGCAGAACAACAGCCAAAAAGCATGAAAAGCCCAGCTTCTCCA[G>T]AGCCTGGTTTCTGTGCTACTCTTTGCCCTATGGTAGAAATTCCACCTAAAGATATAATGG-3'

ClinVar aggregate classification (germline): Likely pathogenic (1 of 4 stars; one submission).

Conditions:
Bainbridge-Ropers syndrome. Also called: Severe feeding difficulties-failure to thrive-microcephaly due to ASXL3 deficiency syndrome. Identifiers: Orphanet 352577, MedGen C4750837, MONDO:0014205, OMIM 615485.

Allele frequency attached by ClinVar (database versions not stated): 1000 Genomes Project 30x 0.00016; 1000 Genomes Project 0.00020.

Submission:

3billion
Classification: Likely pathogenic for Bainbridge-Ropers syndrome. Last evaluated: 2022-09-01. Review status: criteria provided, single submitter. Criteria: ACMG Guidelines, 2015. Collection method: clinical testing. Allele origin: germline. Affected: yes. Observed: 1 heterozygote.
Comment: The variant is not observed in the gnomAD v2.1.1 dataset. Stop-gained (nonsense) is predicted to result in a loss or disruption of normal protein function through nonsense-mediated decay (NMD) or protein truncation. Multiple pathogenic variants are reported downstream of the variant. Therefore, this variant is classified as Likely pathogenic according to the recommendation of ACMG/AMP guideline.